The following is an entry in ClinVar:

NM_006267.5(RANBP2):c.715T>A (p.Tyr239Asn)

Gene: RANBP2 (RAN binding protein 2; plus strand). Cytogenetic location: 2q13.
Variant type: single nucleotide variant.
Coding change: c.715T>A on transcript NM_006267.5 (MANE Select); coding-DNA position 715, T replaced by A.
Protein change: p.Tyr239Asn; replaces tyrosine 239 with asparagine.
Molecular consequence: missense variant.
Genome position (GRCh38, 1-based): chr2:108,736,182, T>A. VCF-style: chr2-108736182-T-A. GRCh37 (hg19) VCF-style: chr2-109352638-T-A.
Other names: short protein forms Y239N.
Identifiers: ClinVar variation 537208 (VCV000537208.3), dbSNP rs1405042231, ClinGen allele CA348041750.

ClinVar aggregate classification (germline): Uncertain significance (1 of 4 stars; one submission).

Conditions:
Familial acute necrotizing encephalopathy (IIAE3). Also called: Susceptibility to Acute Necrotizing Encephalopathy 1; ENCEPHALOPATHY, ACUTE, INFECTION-INDUCED, SUSCEPTIBILITY TO, 3. Identifiers: Orphanet 88619, MedGen C2675556, MONDO:0011953, OMIM 608033.

Allele frequency attached by ClinVar (database versions not stated): gnomAD exomes below 0.00001 and 0.00001; TOPMed 0.00001.
gnomAD v4.1: 3 of 1,611,984 alleles (0.00019%); highest among the groups gnomAD compares: Admixed American, 0.0017%; no homozygotes.

Submission:

Labcorp Genetics (formerly Invitae), Labcorp
Classification: Uncertain significance for Familial acute necrotizing encephalopathy. Last evaluated: 2019-06-27. Review status: criteria provided, single submitter. Criteria: Invitae Variant Classification Sherloc (09022015). Collection method: clinical testing. Allele origin: germline.
Comment: This sequence change replaces tyrosine with asparagine at codon 239 of the RANBP2 protein (p.Tyr239Asn). The tyrosine residue is highly conserved and there is a large physicochemical difference between tyrosine and asparagine. This variant is not present in population databases (ExAC no frequency). This variant has not been reported in the literature in individuals with RANBP2-related disease. Algorithms developed to predict the effect of missense changes on protein structure and function do not agree on the potential impact of this missense change (SIFT: Deleterious; PolyPhen-2: Benign; Align-GVGD: Class C). In summary, the available evidence is currently insufficient to determine the role of this variant in disease. Therefore, it has been classified as a Variant of Uncertain Significance. 5